The following is an entry in ClinVar:

NM_015102.5(NPHP4):c.2603G>A (p.Ser868Asn)

Gene: NPHP4 (nephrocystin 4; minus strand). Cytogenetic location: 1p36.31.
Variant type: single nucleotide variant.
Coding change: c.2603G>A on transcript NM_015102.5 (MANE Select); coding-DNA position 2603, G replaced by A.
Protein change: p.Ser868Asn; replaces serine 868 with asparagine.
Molecular consequence: missense variant. On other transcripts: non-coding transcript variant (1).
Genome position (GRCh38, 1-based): chr1:5,880,122, C>T on the plus strand (G>A on the coding strand, the complement: NPHP4 is on the minus strand). VCF-style: chr1-5880122-C-T. GRCh37 (hg19) VCF-style: chr1-5940182-C-T.
Other names: c.1064G>A, p.Ser355Asn (NM_001291593.2); c.1067G>A, p.Ser356Asn (NM_001291594.2); short protein forms S355N, S356N, S868N.
Identifiers: ClinVar variation 950067 (VCV000950067.10), dbSNP rs763576044, ClinGen allele CA554055.

ClinVar aggregate classification (germline): Uncertain significance. Review status: criteria provided, multiple submitters, no conflicts (2 of 4 stars). 2 submissions from 2 submitters: Uncertain significance (2). Last evaluated 2024-08-05.

Conditions:
Nephronophthisis 4 (NPHP4). Also called: NEPHRONOPHTHISIS 4, JUVENILE. Identifiers: Orphanet 655, MedGen C1847013, MONDO:0011752, OMIM 606966.
Senior-Loken syndrome 4 (SLSN4). Identifiers: Orphanet 3156, MedGen C1846979, MONDO:0011756, OMIM 606996.
Nephronophthisis. Also called: Juvenile Nephronophthisis. Identifiers: Orphanet 655, MedGen C0687120, MONDO:0019005, HP:0000090.

Allele frequency attached by ClinVar (database versions not stated): ExAC 0.00002; gnomAD exomes 0.00005 and 0.00006; TOPMed 0.00009; gnomAD 0.00011 and 0.00012.
gnomAD v4.1: 105 of 1,613,616 alleles (0.0065%); highest among the groups gnomAD compares: Admixed American, 0.022%; no homozygotes.

Submissions (2):

Labcorp Genetics (formerly Invitae), Labcorp
Classification: Uncertain significance for Nephronophthisis. Last evaluated: 2024-08-05. Review status: criteria provided, single submitter. Criteria: Invitae Variant Classification Sherloc (09022015). Collection method: clinical testing. Allele origin: germline.
Comment: This sequence change replaces serine, which is neutral and polar, with asparagine, which is neutral and polar, at codon 868 of the NPHP4 protein (p.Ser868Asn). This variant is present in population databases (rs763576044, gnomAD 0.01%). This variant has not been reported in the literature in individuals affected with NPHP4-related conditions. ClinVar contains an entry for this variant (Variation ID: 950067). Advanced modeling of protein sequence and biophysical properties (such as structural, functional, and spatial information, amino acid conservation, physicochemical variation, residue mobility, and thermodynamic stability) performed at Invitae indicates that this missense variant is not expected to disrupt NPHP4 protein function with a negative predictive value of 80%. In summary, the available evidence is currently insufficient to determine the role of this variant in disease. Therefore, it has been classified as a Variant of Uncertain Significance.

Fulgent Genetics
Classification: Uncertain significance for Nephronophthisis 4; Senior-Loken syndrome 4. Last evaluated: 2024-06-13. Review status: criteria provided, single submitter. Criteria: ACMG Guidelines, 2015. Collection method: clinical testing. Allele origin: germline.